The following is an entry in ClinVar:

NM_001010892.3(RSPH4A):c.1547C>T (p.Ala516Val)

Gene: RSPH4A (radial spoke head component 4A; plus strand). Cytogenetic location: 6q22.1.
Variant type: single nucleotide variant.
Coding change: c.1547C>T on transcript NM_001010892.3 (MANE Select); coding-DNA position 1547, C replaced by T.
Protein change: p.Ala516Val; replaces alanine 516 with valine.
Molecular consequence: missense variant.
Genome position (GRCh38, 1-based): chr6:116,628,254, C>T. VCF-style: chr6-116628254-C-T. GRCh37 (hg19) VCF-style: chr6-116949417-C-T.
Other names: c.1547C>T, p.Ala516Val (NM_001161664.2); c.1547C>T (NM_001010892.2); short protein forms A516V.
Identifiers: ClinVar variation 1447453 (VCV001447453.9), dbSNP rs771315690, ClinGen allele CA3970968.

ClinVar aggregate classification (germline): Uncertain significance. Review status: criteria provided, multiple submitters, no conflicts (2 of 4 stars). 4 submissions from 4 submitters: Uncertain significance (4). Last evaluated 2025-08-12.

Conditions:
Primary ciliary dyskinesia. Also called: Ciliary dyskinesia. Identifiers: Orphanet 244, MedGen C0008780, MONDO:0016575, HP:0012265.
Primary ciliary dyskinesia 11. Also called: CILIARY DYSKINESIA, PRIMARY, 11, WITHOUT SITUS INVERSUS. Identifiers: Orphanet 244, MedGen C2675229, MONDO:0012978, OMIM 612649.

Allele frequency attached by ClinVar (database versions not stated): gnomAD 0.00002; gnomAD exomes 0.00006; ExAC 0.00008.
gnomAD v4.1: 28 of 1,611,694 alleles (0.0017%); highest among the groups gnomAD compares: Middle Eastern, 0.099%; no homozygotes.

Submissions (4):

Ambry Genetics
Classification: Uncertain significance for Primary ciliary dyskinesia. Last evaluated: 2025-08-12. Review status: criteria provided, single submitter. Criteria: Ambry Variant Classification Scheme 2023. Collection method: clinical testing. Allele origin: germline.
Comment: The p.A516V variant (also known as c.1547C>T), located in coding exon 3 of the RSPH4A gene, results from a C to T substitution at nucleotide position 1547. The alanine at codon 516 is replaced by valine, an amino acid with similar properties. This variant has been identified in the homozygous state and/or in conjunction with other RSPH4A variant(s) in individual(s) with features consistent with primary ciliary dyskinesia (Asseri AA et al. Children (Basel), 2023 Oct;10). This amino acid position is poorly conserved in available vertebrate species. In addition, this alteration is predicted to be tolerated by in silico analysis. Based on the available evidence, the clinical significance of this variant remains unclear.

Labcorp Genetics (formerly Invitae), Labcorp
Classification: Uncertain significance for Primary ciliary dyskinesia. Last evaluated: 2025-01-23. Review status: criteria provided, single submitter. Criteria: Invitae Variant Classification Sherloc (09022015). Collection method: clinical testing. Allele origin: germline.
Comment: This sequence change replaces alanine, which is neutral and non-polar, with valine, which is neutral and non-polar, at codon 516 of the RSPH4A protein (p.Ala516Val). This variant is present in population databases (rs771315690, gnomAD 0.02%). This variant has not been reported in the literature in individuals affected with RSPH4A-related conditions. ClinVar contains an entry for this variant (Variation ID: 1447453). Invitae Evidence Modeling of protein sequence and biophysical properties (such as structural, functional, and spatial information, amino acid conservation, physicochemical variation, residue mobility, and thermodynamic stability) indicates that this missense variant is not expected to disrupt RSPH4A protein function with a negative predictive value of 80%. In summary, the available evidence is currently insufficient to determine the role of this variant in disease. Therefore, it has been classified as a Variant of Uncertain Significance.

Genomic Medicine Center of Excellence, King Faisal Specialist Hospital and Research Centre
Classification: Uncertain significance for Primary ciliary dyskinesia 11. Last evaluated: 2024-04-04. Review status: criteria provided, single submitter. Criteria: ACMG Guidelines, 2015. Collection method: clinical testing. Allele origin: germline.

Revvity Omics, Revvity
Classification: Uncertain significance for Primary ciliary dyskinesia 11. Last evaluated: 2023-09-14. Review status: criteria provided, single submitter. Criteria: ACMG Guidelines, 2015. Collection method: clinical testing. Allele origin: germline.

Literature cited by the submitters: PubMed 37892347 (cited by Ambry Genetics).